The following is an entry in ClinVar:

ClinVar aggregate classification (germline): Benign. Review status: criteria provided, single submitter (1 of 4 stars). 2 submissions from 2 submitters: Benign (1). 1 of the submissions does not count toward it. Last evaluated 2017-04-27.

Conditions:
KHK-related disorder. Also called: KHK-related condition.
Essential fructosuria. Also called: KETOHEXOKINASE DEFICIENCY; HEPATIC FRUCTOKINASE DEFICIENCY. Identifiers: Orphanet 2056, MedGen C0268160, MONDO:0009252, OMIM 229800.

Allele frequency attached by ClinVar (database versions not stated): ExAC 0.00078; 1000 Genomes Project 0.00200; TOPMed 0.00291; ESP Exome Variant Server 0.00331; gnomAD exomes 0.00023 and 0.00064; 1000 Genomes Project 30x 0.00219; gnomAD 0.00259 and 0.00289.
gnomAD v4.1: 749 of 1,614,146 alleles (0.046%); highest among the groups gnomAD compares: African/African-American, 0.89%; 3 homozygotes.

Submissions (9):

Illumina Laboratory Services, Illumina
Classification: Benign for Essential fructosuria. Last evaluated: 2017-04-27. Review status: criteria provided, single submitter. Criteria: ICSL Variant Classification Criteria 13 December 2019. Collection method: clinical testing. Allele origin: germline.
Comment: This variant was observed as part of a predisposition screen in an ostensibly healthy population. A literature search was performed for the gene, cDNA change, and amino acid change (where applicable). No publications were found based on this search. Allele frequency data from public databases was too high to be consistent with this variant causing disease. Therefore, this variant is classified as benign.

PreventionGenetics, part of Exact Sciences
Classification: Benign for KHK-related condition. Last evaluated: 2019-08-20. Review status: no assertion criteria provided. Collection method: clinical testing. Allele origin: germline. Not counted in ClinVar's aggregate classification.
Comment: This variant is classified as benign based on ACMG/AMP sequence variant interpretation guidelines (Richards et al. 2015 PMID: 25741868, with internal and published modifications).

Dr. Peter K. Rogan Lab, Western University
No classification provided (evidence only). Condition: Uterine corpus endometrial carcinoma. Review status: no classification provided. Collection method: in vitro. Allele origin: not applicable. Functional consequence: retained intron. Not counted in ClinVar's aggregate classification.

Dr. Peter K. Rogan Lab, Western University
No classification provided (evidence only). Condition: Uterine corpus endometrial carcinoma. Review status: no classification provided. Collection method: in vitro. Allele origin: not applicable. Functional consequence: skipped exon, retained intron. Not counted in ClinVar's aggregate classification.

Dr. Peter K. Rogan Lab, Western University
No classification provided (evidence only). Condition: Cervical cancer. Review status: no classification provided. Collection method: in vitro. Allele origin: not applicable. Functional consequence: skipped exon. Not counted in ClinVar's aggregate classification.

Dr. Peter K. Rogan Lab, Western University
No classification provided (evidence only). Condition: Cervical cancer. Review status: no classification provided. Collection method: in vitro. Allele origin: not applicable. Functional consequence: skipped exon. Not counted in ClinVar's aggregate classification.

Dr. Peter K. Rogan Lab, Western University
No classification provided (evidence only). Condition: Ovarian serous cystadenocarcinoma. Review status: no classification provided. Collection method: in vitro. Allele origin: not applicable. Functional consequence: retained intron. Not counted in ClinVar's aggregate classification.

Dr. Peter K. Rogan Lab, Western University
No classification provided (evidence only). Condition: Gastric cancer. Review status: no classification provided. Collection method: in vitro. Allele origin: not applicable. Functional consequence: retained intron. Not counted in ClinVar's aggregate classification.

Dr. Peter K. Rogan Lab, Western University
No classification provided (evidence only). Condition: Gastric cancer. Review status: no classification provided. Collection method: in vitro. Allele origin: not applicable. Functional consequence: retained intron. Not counted in ClinVar's aggregate classification.

NM_006488.3(KHK):c.811+5G>C

Genes: KHK (ketohexokinase; plus strand), CGREF1 (cell growth regulator with EF-hand domain 1; minus strand). Cytogenetic location: 2p23.3.
Variant type: single nucleotide variant.
Coding change: c.811+5G>C on transcript NM_006488.3 (MANE Select); 5 bases into the intron after coding-DNA position 811, G replaced by C.
Molecular consequence: intron variant. On other transcripts: 3 prime UTR variant (2).
Genome position (GRCh38, 1-based): chr2:27,099,582, G>C. VCF-style: chr2-27099582-G-C. GRCh37 (hg19) VCF-style: chr2-27322450-G-C.
Other names: NC_000002.11:g.27322450G>C; c.*202C>G (NM_001166240.2); c.*279C>G (NM_001301324.2); c.811+5G>C (NM_000221.3).
Identifiers: ClinVar variation 895376 (VCV000895376.9), dbSNP rs7578864, ClinGen allele CA1569449.